The following is an entry in ClinVar:

ClinVar aggregate classification (germline): Pathogenic/Likely pathogenic. Review status: criteria provided, multiple submitters, no conflicts (2 of 4 stars). 4 submissions from 4 submitters: Pathogenic (1); Likely pathogenic (3). Last evaluated 2026-05-12.

Conditions:
Primary ciliary dyskinesia 7. Also called: CILIARY DYSKINESIA, PRIMARY, 7, WITH OR WITHOUT SITUS INVERSUS. Identifiers: Orphanet 244, MedGen C2678473, MONDO:0012748, OMIM 611884.
DNAH11-related disorder. Also called: DNAH11-related condition.
Primary ciliary dyskinesia. Also called: Ciliary dyskinesia. Identifiers: Orphanet 244, MedGen C0008780, MONDO:0016575, HP:0012265.

Allele frequency attached by ClinVar (database versions not stated): gnomAD exomes below 0.00001 and 0.00001; ExAC 0.00002; TOPMed 0.00006; gnomAD 0.00007.

Submissions (4):

PreventionGenetics, part of Exact Sciences
Classification: Likely pathogenic for DNAH11-related condition. Last evaluated: 2026-05-12. Review status: criteria provided, single submitter. Criteria: ACMG Guidelines, 2015. Collection method: clinical testing. Allele origin: germline.
Comment: The DNAH11 c.9560_9563dupTGGT variant is predicted to result in a frameshift and premature protein termination (p.Ala3189Glyfs*17). To our knowledge, this variant has not been reported in the literature. This variant is reported in 0.013% of alleles in individuals of African descent in gnomAD. Frameshift variants in DNAH11 are expected to be pathogenic. This variant is interpreted as likely pathogenic.

Labcorp Genetics (formerly Invitae), Labcorp
Classification: Pathogenic for Primary ciliary dyskinesia. Last evaluated: 2025-03-07. Review status: criteria provided, single submitter. Criteria: Invitae Variant Classification Sherloc (09022015). Collection method: clinical testing. Allele origin: germline.
Comment: This sequence change creates a premature translational stop signal (p.Ala3189Glyfs*17) in the DNAH11 gene. It is expected to result in an absent or disrupted protein product. Loss-of-function variants in DNAH11 are known to be pathogenic (PMID: 18022865, 20513915, 22184204). This variant is present in population databases (rs747442861, gnomAD 0.01%). This variant has not been reported in the literature in individuals affected with DNAH11-related conditions. ClinVar contains an entry for this variant (Variation ID: 938296). For these reasons, this variant has been classified as Pathogenic.

GeneDx
Classification: Likely pathogenic. Last evaluated: 2024-12-27. Review status: criteria provided, single submitter. Criteria: GeneDx Variant Classification Process June 2021. Collection method: clinical testing. Allele origin: germline. Affected: yes.
Comment: Frameshift variant predicted to result in protein truncation or nonsense mediated decay in a gene for which loss of function is a known mechanism of disease; Has not been previously published as pathogenic or benign to our knowledge

Fulgent Genetics
Classification: Likely pathogenic for Primary ciliary dyskinesia 7. Last evaluated: 2024-04-25. Review status: criteria provided, single submitter. Criteria: ACMG Guidelines, 2015. Collection method: clinical testing. Allele origin: germline.

Literature cited by the submitters: PubMed 18022865 (cited by Labcorp Genetics (formerly Invitae), Labcorp); PubMed 20513915 (cited by Labcorp Genetics (formerly Invitae), Labcorp); PubMed 22184204 (cited by Labcorp Genetics (formerly Invitae), Labcorp).

NM_001277115.2(DNAH11):c.9560_9563dup (p.Ala3189fs)

Gene: DNAH11 (dynein axonemal heavy chain 11; plus strand). Cytogenetic location: 7p15.3.
Variant type: Duplication.
Coding change: c.9560_9563dup on transcript NM_001277115.2 (MANE Select); coding-DNA positions 9560 to 9563, 4 bases duplicated (TGGT; older notation c.9560_9563dupTGGT).
Protein change: p.Ala3189fs; shifts the reading frame from alanine 3189.
Molecular consequence: frameshift variant.
Genome position (GRCh38, 1-based): chr7:21,784,503-21,784,506, TGGT duplicated. VCF-style (leftmost placement, unchanged base first): chr7-21784502-C-CTGGT. GRCh37 (hg19) VCF-style: chr7-21824120-C-CTGGT.
Other names: c.9560_9563dupTGGT (NM_001277115.1); short protein forms A3189fs.
Identifiers: ClinVar variation 938296 (VCV000938296.11), dbSNP rs747442861, ClinGen allele CA4182021.
Genomic context (GRCh38, chr7:21,784,502, plus strand): 5'-ACTGAAGTGTTCCAGAAACAGAGAGAATGTGAAGCTGACTTACTCAAGGCTGAGCCTGCA[C>CTGGT]TGGTGGCTGCTACAGCTGCACTCAATACACTCAACAGGGTAAAGATAATTTATTGGTCCC-3'